The following is an entry in ClinVar:

ClinVar aggregate classification (germline): Uncertain significance (1 of 4 stars; one submission).

Conditions:
Intellectual developmental disorder, autosomal dominant 6, with or without seizures. Also called: Intellectual disability, autosomal dominant 6; GRIN2B-related developmental delay, intellectual disability and autism spectrum disorder. Identifiers: Orphanet 589547, MedGen C3151411, MONDO:0013509, OMIM 613970.
Developmental and epileptic encephalopathy, 27 (DEE27). Also called: Epileptic encephalopathy, early infantile, 27; GRIN2B-Related Neurodevelopmental Disorder. Identifiers: Orphanet 3451, MedGen C4015316, MONDO:0014505, OMIM 616139.

Allele frequency attached by ClinVar (database versions not stated): gnomAD exomes below 0.00001; TOPMed 0.00001.
gnomAD v4.1: 1 of 1,614,104 alleles (0.000062%); highest among the groups gnomAD compares: African/African-American, 0.0013%; no homozygotes.

Submissions (2):

Labcorp Genetics (formerly Invitae), Labcorp
Classification: Uncertain significance for Developmental and epileptic encephalopathy, 27; Intellectual developmental disorder, autosomal dominant 6, with or without seizures. Last evaluated: 2022-03-19. Review status: criteria provided, single submitter. Criteria: Invitae Variant Classification Sherloc (09022015). Collection method: clinical testing. Allele origin: germline.
Comment: In summary, the available evidence is currently insufficient to determine the role of this variant in disease. Therefore, it has been classified as a Variant of Uncertain Significance. Advanced modeling of protein sequence and biophysical properties (such as structural, functional, and spatial information, amino acid conservation, physicochemical variation, residue mobility, and thermodynamic stability) performed at Invitae indicates that this missense variant is not expected to disrupt GRIN2B protein function. This variant has not been reported in the literature in individuals affected with GRIN2B-related conditions. This variant is present in population databases (no rsID available, gnomAD 0.007%). This sequence change replaces lysine, which is basic and polar, with methionine, which is neutral and non-polar, at codon 1031 of the GRIN2B protein (p.Lys1031Met).

Dr. Peter K. Rogan Lab, Western University
No classification provided (evidence only). Condition: Ovarian serous cystadenocarcinoma. Review status: no classification provided. Collection method: in vitro. Allele origin: not applicable. Functional consequence: retained intron. Not counted in ClinVar's aggregate classification.

NM_000834.5(GRIN2B):c.3092A>T (p.Lys1031Met)

Gene: GRIN2B (glutamate ionotropic receptor NMDA type subunit 2B; minus strand). Cytogenetic location: 12p13.1.
Variant type: single nucleotide variant.
Coding change: c.3092A>T on transcript NM_000834.5 (MANE Select); coding-DNA position 3092, A replaced by T.
Protein change: p.Lys1031Met; replaces lysine 1031 with methionine.
Molecular consequence: missense variant.
Genome position (GRCh38, 1-based): chr12:13,564,146, T>A on the plus strand (A>T on the coding strand, the complement: GRIN2B is on the minus strand). VCF-style: chr12-13564146-T-A. GRCh37 (hg19) VCF-style: chr12-13717080-T-A.
Other names: short protein forms K1031M.
Identifiers: ClinVar variation 1498327 (VCV001498327.9), dbSNP rs1311868719, ClinGen allele CA383992167.
Genomic context (GRCh38, chr12:13,564,146, plus strand): 5'-CCACTGTAGCGGTCGCTCTTGAAGGAGAATTTGCCGTACAGGTCACTGAGCTGGCTGTGC[T>A]TGGAGGAGGGGAGGCCGATGTCCAGGGGCTTCTTGCTGATGGACCTGGACTGGGTGGTGA-3'
Protein context (NP_000825.2, residues 1021-1041): KPLDIGLPSS[Lys1031Met]HSQLSDLYGK